The following is an entry in ClinVar:

ClinVar aggregate classification (germline): Uncertain significance (1 of 4 stars; one submission).

Conditions:
Emery-Dreifuss muscular dystrophy 5, autosomal dominant (EDMD5). Also called: EMERY-DREIFUSS MUSCULAR DYSTROPHY 5. Identifiers: Orphanet 261, MedGen C2751805, MONDO:0013072, OMIM 612999.

Submission:

Labcorp Genetics (formerly Invitae), Labcorp
Classification: Uncertain significance for Emery-Dreifuss muscular dystrophy 5, autosomal dominant. Last evaluated: 2022-05-10. Review status: criteria provided, single submitter. Criteria: Invitae Variant Classification Sherloc (09022015). Collection method: clinical testing. Allele origin: germline.
Comment: In summary, the available evidence is currently insufficient to determine the role of this variant in disease. Therefore, it has been classified as a Variant of Uncertain Significance. Algorithms developed to predict the effect of missense changes on protein structure and function (SIFT, PolyPhen-2, Align-GVGD) all suggest that this variant is likely to be tolerated. This variant has not been reported in the literature in individuals affected with SYNE2-related conditions. This variant is not present in population databases (gnomAD no frequency). This sequence change replaces glycine, which is neutral and non-polar, with aspartic acid, which is acidic and polar, at codon 5728 of the SYNE2 protein (p.Gly5728Asp).

NM_182914.3(SYNE2):c.17183G>A (p.Gly5728Asp)

Gene: SYNE2 (spectrin repeat containing nuclear envelope protein 2; plus strand). Cytogenetic location: 14q23.2.
Variant type: single nucleotide variant.
Coding change: c.17183G>A on transcript NM_182914.3 (MANE Select); coding-DNA position 17183, G replaced by A.
Protein change: p.Gly5728Asp; replaces glycine 5728 with aspartic acid.
Molecular consequence: missense variant.
Genome position (GRCh38, 1-based): chr14:64,170,410, G>A. VCF-style: chr14-64170410-G-A. GRCh37 (hg19) VCF-style: chr14-64637128-G-A.
Other names: c.17183G>A, p.Gly5728Asp (NM_015180.6); short protein forms G5728D.
Identifiers: ClinVar variation 2063474 (VCV002063474.4), dbSNP rs776657050, ClinGen allele CA389974224.
Genomic context (GRCh38, chr14:64,170,410, plus strand): 5'-CTGTGGAGAACTTGTTTCGCTTCCTCACTGACACCAGCCACCTGCTATCTGCAGTGAAGG[G>A]CCAGGAGCGCTTCAGCCTCTACCAAACCAGAAGTCTGATCCATGAGCTGAAGGTAGTGTA-3'
Protein context (NP_878918.2, residues 5718-5738): DTSHLLSAVK[Gly5728Asp]QERFSLYQTR